The following is an entry in ClinVar:

NM_000059.4(BRCA2):c.2283T>C (p.Tyr761=)

Gene: BRCA2 (BRCA2 DNA repair associated; plus strand). Cytogenetic location: 13q13.1.
Variant type: single nucleotide variant.
Coding change: c.2283T>C on transcript NM_000059.4 (MANE Select); coding-DNA position 2283, T replaced by C.
Protein change: p.Tyr761=; no amino-acid change (tyrosine 761 retained).
Molecular consequence: synonymous variant.
Genome position (GRCh38, 1-based): chr13:32,336,638, T>C. VCF-style: chr13-32336638-T-C. GRCh37 (hg19) VCF-style: chr13-32910775-T-C.
Identifiers: ClinVar variation 1091959 (VCV001091959.13), dbSNP rs925988904, ClinGen allele CA483437055.

ClinVar aggregate classification (germline): Likely benign. Review status: criteria provided, multiple submitters, no conflicts (2 of 4 stars). 3 submissions from 3 submitters: Likely benign (2). 1 of the submissions does not count toward it. Last evaluated 2021-05-25.

Conditions:
BRCA2-related disorder. Also called: BRCA2-related condition; BRCA2-related disorders. Identifiers: MedGen CN239275.
Hereditary breast ovarian cancer syndrome. Also called: Hereditary breast and ovarian cancer; Hereditary breast and ovarian cancer syndrome; BRCA1- and BRCA2-Associated Hereditary Breast and Ovarian Cancer; Hereditary breast and/or ovarian cancer syndrome; Hereditary breast and ovarian cancer syndrome (HBOC); Breast and ovarian cancer. Identifiers: Orphanet 145, MedGen C0677776, MeSH D061325, MONDO:0003582. Disease mechanism: loss of function.
Hereditary cancer-predisposing syndrome. Also called: Hereditary Cancer Syndrome; Neoplastic Syndromes, Hereditary; Hereditary neoplastic syndrome; Tumor predisposition. Identifiers: Orphanet 140162, MedGen C0027672, MeSH D009386, MONDO:0015356.

Submissions (3):

Labcorp Genetics (formerly Invitae), Labcorp
Classification: Likely benign for Hereditary breast ovarian cancer syndrome. Last evaluated: 2021-05-25. Review status: criteria provided, single submitter. Criteria: Invitae Variant Classification Sherloc (09022015). Collection method: clinical testing. Allele origin: germline.

Ambry Genetics
Classification: Likely benign for Hereditary cancer-predisposing syndrome. Last evaluated: 2021-04-09. Review status: criteria provided, single submitter. Criteria: Ambry Variant Classification Scheme 2023. Collection method: clinical testing. Allele origin: germline.

PreventionGenetics, part of Exact Sciences
Classification: Likely benign for BRCA2-related condition. Last evaluated: 2022-01-06. Review status: no assertion criteria provided. Collection method: clinical testing. Allele origin: germline. Not counted in ClinVar's aggregate classification.
Comment: This variant is classified as likely benign based on ACMG/AMP sequence variant interpretation guidelines (Richards et al. 2015 PMID: 25741868, with internal and published modifications).